The following is an entry in ClinVar:

ClinVar aggregate classification (germline): Uncertain significance (1 of 4 stars; one submission).

Conditions:
Idiopathic generalized epilepsy. Also called: Generalised epilepsy; EIG. Identifiers: MedGen C0270850, MONDO:0005579, OMIM 600669.

Submission:

Labcorp Genetics (formerly Invitae), Labcorp
Classification: Uncertain significance for Idiopathic generalized epilepsy. Last evaluated: 2025-05-05. Review status: criteria provided, single submitter. Criteria: Invitae Variant Classification Sherloc (09022015). Collection method: clinical testing. Allele origin: germline.
Comment: This sequence change replaces lysine, which is basic and polar, with arginine, which is basic and polar, at codon 230 of the RBFOX1 protein (p.Lys230Arg). This variant is not present in population databases (gnomAD no frequency). This variant has not been reported in the literature in individuals affected with RBFOX1-related conditions. ClinVar contains an entry for this variant (Variation ID: 954218). Invitae Evidence Modeling of protein sequence and biophysical properties (such as structural, functional, and spatial information, amino acid conservation, physicochemical variation, residue mobility, and thermodynamic stability) has been performed for this missense variant. However, the output from this modeling did not meet the statistical confidence thresholds required to predict the impact of this variant on RBFOX1 protein function. In summary, the available evidence is currently insufficient to determine the role of this variant in disease. Therefore, it has been classified as a Variant of Uncertain Significance.

NM_018723.4(RBFOX1):c.629A>G (p.Lys210Arg)

Gene: RBFOX1 (RNA binding fox-1 homolog 1; plus strand). Cytogenetic location: 16p13.3.
Variant type: single nucleotide variant.
Coding change: c.629A>G on transcript NM_018723.4 (MANE Select); coding-DNA position 629, A replaced by G.
Protein change: p.Lys210Arg; replaces lysine 210 with arginine.
Molecular consequence: missense variant.
Genome position (GRCh38, 1-based): chr16:7,607,291, A>G. VCF-style: chr16-7607291-A-G. GRCh37 (hg19) VCF-style: chr16-7657293-A-G.
Other names: c.629A>G, p.Lys210Arg (NM_001142333.2, NM_001142334.2, NM_001364800.2); c.758A>G, p.Lys253Arg (NM_001308117.1); c.689A>G, p.Lys230Arg (NM_145891.3, NM_145892.3, NM_145893.3); short protein forms K210R, K230R, K253R.
Identifiers: ClinVar variation 954218 (VCV000954218.10), dbSNP rs2095316869, ClinGen allele CA394683175.